The following is an entry in ClinVar:

NM_017866.6(TMEM70):c.614C>T (p.Ala205Val)

Gene: TMEM70 (transmembrane protein 70; plus strand). Cytogenetic location: 8q21.11.
Variant type: single nucleotide variant.
Coding change: c.614C>T on transcript NM_017866.6 (MANE Select); coding-DNA position 614, C replaced by T.
Protein change: p.Ala205Val; replaces alanine 205 with valine.
Molecular consequence: missense variant. On other transcripts: 3 prime UTR variant (1), non-coding transcript variant (1).
Genome position (GRCh38, 1-based): chr8:73,981,452, C>T. VCF-style: chr8-73981452-C-T. GRCh37 (hg19) VCF-style: chr8-74893687-C-T.
Other names: c.*304C>T (NM_001040613.3); short protein forms A205V.
Identifiers: ClinVar variation 2073056 (VCV002073056.4), dbSNP rs2536396159, ClinGen allele CA371490370.
Genomic context (GRCh38, chr8:73,981,452, plus strand): 5'-ATGCTATGCTTGCAGAAACGAGTACAGTGTTTCACCAGAATGATGTGAAGATTCCAGATG[C>T]TAAACATGTATTTACCACATTTTATGCTAAAACAAAATCACTGTTAGTTAATCCAGTGCT-3'
Protein context (NP_060336.3, residues 195-215): FHQNDVKIPD[Ala205Val]KHVFTTFYAK

ClinVar aggregate classification (germline): Uncertain significance (1 of 4 stars; one submission).

Conditions:
Mitochondrial complex V (ATP synthase) deficiency, nuclear type 2. Also called: Nuclear-Encoded ATPase Deficiency, TMEM70-Related; ENCEPHALOCARDIOMYOPATHY, MITOCHONDRIAL, NEONATAL, DUE TO ATP SYNTHASE DEFICIENCY; MITOCHONDRIAL COMPLEX V (ATP SYNTHASE) DEFICIENCY, TMEM70 TYPE. Identifiers: Orphanet 1194, MedGen C3279699, MONDO:0013546, OMIM 614052.

Submission:

Labcorp Genetics (formerly Invitae), Labcorp
Classification: Uncertain significance for Mitochondrial complex V (ATP synthase) deficiency, nuclear type 2. Last evaluated: 2024-02-24. Review status: criteria provided, single submitter. Criteria: Invitae Variant Classification Sherloc (09022015). Collection method: clinical testing. Allele origin: germline.
Comment: This sequence change replaces alanine, which is neutral and non-polar, with valine, which is neutral and non-polar, at codon 205 of the TMEM70 protein (p.Ala205Val). This variant is not present in population databases (gnomAD no frequency). This variant has not been reported in the literature in individuals affected with TMEM70-related conditions. ClinVar contains an entry for this variant (Variation ID: 2073056). Advanced modeling of protein sequence and biophysical properties (such as structural, functional, and spatial information, amino acid conservation, physicochemical variation, residue mobility, and thermodynamic stability) performed at Invitae indicates that this missense variant is not expected to disrupt TMEM70 protein function with a negative predictive value of 80%. In summary, the available evidence is currently insufficient to determine the role of this variant in disease. Therefore, it has been classified as a Variant of Uncertain Significance.